The following is an entry in ClinVar:

ClinVar aggregate classification (germline): Uncertain significance (1 of 4 stars; one submission).

Submission:

GeneDx
Classification: Uncertain significance. Last evaluated: 2026-04-03. Review status: criteria provided, single submitter. Criteria: GeneDx Variant Classification Process June 2021. Collection method: clinical testing. Allele origin: germline.
Comment: Not observed at significant frequency in large population cohorts (gnomAD); Frameshift variant predicted to result in protein truncation or nonsense mediated decay in a gene or region of a gene for which loss of function is not a well-established mechanism of disease; Has not been previously published as pathogenic or benign to our knowledge

NM_006268.5(DPF2):c.841_842del (p.Lys281fs)

Gene: DPF2 (double PHD fingers 2; plus strand). Cytogenetic location: 11q13.1.
Variant type: Deletion.
Coding change: c.841_842del on transcript NM_006268.5 (MANE Select); coding-DNA positions 841 to 842, 2 bases deleted (AA; older notation c.841_842delAA).
Protein change: p.Lys281fs; shifts the reading frame from lysine 281.
Molecular consequence: frameshift variant.
Genome position (GRCh38, 1-based): chr11:65,345,995-65,345,996, AA deleted; deleting any 2 consecutive bases within chr11:65,345,994-65,345,996 gives the same sequence; the c. name uses the placement nearest the transcript's 3' end. VCF-style (leftmost placement, unchanged base first): chr11-65345993-CAA-C. GRCh37 (hg19) VCF-style: chr11-65113464-CAA-C.
Other names: c.883_884del, p.Lys295fs (NM_001330308.2); short protein forms K281fs, K295fs.
Identifiers: ClinVar variation 4282002 (VCV004282002.2).